The following is an entry in ClinVar:

ClinVar aggregate classification (germline): Uncertain significance (1 of 4 stars; one submission).

Allele frequency attached by ClinVar (database versions not stated): gnomAD exomes below 0.00001; TOPMed below 0.00001; gnomAD 0.00001.
gnomAD v4.1: 7 of 1,603,090 alleles (0.00044%); highest among the groups gnomAD compares: Admixed American, 0.0053%; no homozygotes.

Submission:

Labcorp Genetics (formerly Invitae), Labcorp
Classification: Uncertain significance. Last evaluated: 2024-02-24. Review status: criteria provided, single submitter. Criteria: Invitae Variant Classification Sherloc (09022015). Collection method: clinical testing. Allele origin: germline.
Comment: This sequence change replaces arginine, which is basic and polar, with cysteine, which is neutral and slightly polar, at codon 1473 of the CHD8 protein (p.Arg1473Cys). The frequency data for this variant in the population databases is considered unreliable, as metrics indicate poor data quality at this position in the gnomAD database. This variant has not been reported in the literature in individuals affected with CHD8-related conditions. ClinVar contains an entry for this variant (Variation ID: 1943357). Advanced modeling of protein sequence and biophysical properties (such as structural, functional, and spatial information, amino acid conservation, physicochemical variation, residue mobility, and thermodynamic stability) performed at Invitae indicates that this missense variant is not expected to disrupt CHD8 protein function with a negative predictive value of 80%. In summary, the available evidence is currently insufficient to determine the role of this variant in disease. Therefore, it has been classified as a Variant of Uncertain Significance.

NM_001170629.2(CHD8):c.4417C>T (p.Arg1473Cys)

Gene: CHD8 (chromodomain helicase DNA binding protein 8; minus strand). Cytogenetic location: 14q11.2.
Variant type: single nucleotide variant.
Coding change: c.4417C>T on transcript NM_001170629.2 (MANE Select); coding-DNA position 4417, C replaced by T.
Protein change: p.Arg1473Cys; replaces arginine 1473 with cysteine.
Molecular consequence: missense variant.
Genome position (GRCh38, 1-based): chr14:21,400,566, G>A on the plus strand (C>T on the coding strand, the complement: CHD8 is on the minus strand). VCF-style: chr14-21400566-G-A. GRCh37 (hg19) VCF-style: chr14-21868725-G-A.
Other names: c.3580C>T, p.Arg1194Cys (NM_020920.4); short protein forms R1194C, R1473C.
Identifiers: ClinVar variation 1943357 (VCV001943357.5), dbSNP rs1307220437, ClinGen allele CA388894211.